The following is an entry in ClinVar:

ClinVar aggregate classification (germline): Uncertain significance. Review status: criteria provided, multiple submitters, no conflicts (2 of 4 stars). 2 submissions from 2 submitters: Uncertain significance (2). Last evaluated 2022-07-27.

Conditions:
Nephronophthisis. Also called: Juvenile Nephronophthisis. Identifiers: Orphanet 655, MedGen C0687120, MONDO:0019005, HP:0000090.
Renal-hepatic-pancreatic dysplasia 1 (RHPD1). Identifiers: MedGen C3715199, MONDO:0008833, OMIM 208540.
Nephronophthisis 3 (NPHP3). Also called: Adolescent nephronophthisis. Identifiers: Orphanet 655, MedGen C1858392, MONDO:0011456, OMIM 604387.
NPHP3-related Meckel-like syndrome. Also called: Meckel syndrome type 7; GOLDSTON SYNDROME. Identifiers: Orphanet 3032, MedGen C2673885, MONDO:0009966, OMIM 267010.

Submissions (2):

Labcorp Genetics (formerly Invitae), Labcorp
Classification: Uncertain significance for Nephronophthisis. Last evaluated: 2022-07-27. Review status: criteria provided, single submitter. Criteria: Invitae Variant Classification Sherloc (09022015). Collection method: clinical testing. Allele origin: germline.
Comment: This sequence change falls in intron 25 of the NPHP3 gene. It does not directly change the encoded amino acid sequence of the NPHP3 protein. This variant is not present in population databases (gnomAD no frequency). This variant has not been reported in the literature in individuals affected with NPHP3-related conditions. Algorithms developed to predict the effect of sequence changes on RNA splicing suggest that this variant may disrupt the consensus splice site. In summary, the available evidence is currently insufficient to determine the role of this variant in disease. Therefore, it has been classified as a Variant of Uncertain Significance.

Juno Genomics, Hangzhou Juno Genomics, Inc
Classification: Uncertain significance for NPHP3-related Meckel-like syndrome; Nephronophthisis 3; Renal-hepatic-pancreatic dysplasia 1. Review status: criteria provided, single submitter. Criteria: ACMG Guidelines, 2015. Collection method: clinical testing. Allele origin: germline.
Comment: Absent from controls (or at extremely low frequency if recessive) in Genome Aggregation Database.;Multiple lines of computational evidence support a deleterious effect on the gene or gene product.

NM_153240.5(NPHP3):c.3697-16_3697-14del

Genes: NPHP3 (nephrocystin 3; minus strand), NPHP3-ACAD11 (NPHP3-ACAD11 readthrough (NMD candidate); minus strand). Cytogenetic location: 3q22.1.
Variant type: Deletion.
Coding change: c.3697-16_3697-14del on transcript NM_153240.5 (MANE Select); 16 bases into the intron before coding-DNA position 3697 through 14 bases into the intron before coding-DNA position 3697, 3 bases deleted (CAT; older notation c.3697-16_3697-14delCAT).
Molecular consequence: intron variant.
Genome position (GRCh38, 1-based): chr3:132,682,832-132,682,834, ATG deleted on the plus strand (CAT on the coding strand, the reverse complement: NPHP3 is on the minus strand); deleting any 3 consecutive bases within chr3:132,682,832-132,682,836 gives the same sequence; the c. name uses the placement nearest the transcript's 3' end. VCF-style (leftmost placement, unchanged base first): chr3-132682831-AATG-A. GRCh37 (hg19) VCF-style: chr3-132401675-AATG-A.
Identifiers: ClinVar variation 2072496 (VCV002072496.6), dbSNP rs1939067232, ClinGen allele CA1402646455.
Genomic context (GRCh38, chr3:132,682,831, plus strand): 5'-AATCTTTAATGCTCTTTCATATAATGGCAAAGCTTCAACGTGTTTTTTCTTATTAAAAAA[AATG>A]ATAATGCTCATGCACACTGGGTTTCTGAAATTAATGTATTCTAGACTAAGCTAACCTACT-3'